The following is an entry in ClinVar:

ClinVar aggregate classification (germline): Uncertain significance (1 of 4 stars; one submission).

Conditions:
Neuropathy, hereditary sensory, type 1D. Identifiers: Orphanet 36386, MedGen C3150972, MONDO:0013381, OMIM 613708.

Submission:

Centre for Mendelian Genomics, University Medical Centre Ljubljana
Classification: Uncertain significance for Neuropathy, hereditary sensory, type 1D. Last evaluated: 2019-10-08. Review status: criteria provided, single submitter. Criteria: ACMG Guidelines, 2015. Collection method: clinical testing. Allele origin: unknown. Affected: yes.
Comment: This variant was classified as: Uncertain significance. The available evidence on this variant's pathogenicity is insufficient or conflicting. The following ACMG criteria were applied in classifying this variant: PM2,PP3.

NM_015915.5(ATL1):c.833C>T (p.Thr278Ile)

Gene: ATL1 (atlastin GTPase 1; plus strand). Cytogenetic location: 14q22.1.
Variant type: single nucleotide variant.
Coding change: c.833C>T on transcript NM_015915.5 (MANE Select); coding-DNA position 833, C replaced by T.
Protein change: p.Thr278Ile; replaces threonine 278 with isoleucine.
Molecular consequence: missense variant.
Genome position (GRCh38, 1-based): chr14:50,614,482, C>T. VCF-style: chr14-50614482-C-T. GRCh37 (hg19) VCF-style: chr14-51081200-C-T.
Other names: c.833C>T, p.Thr278Ile (NM_001127713.1, NM_181598.4); short protein forms T278I.
Identifiers: ClinVar variation 931613 (VCV000931613.3), dbSNP rs2039395853, ClinGen allele CA389671949.